The following is an entry in ClinVar:

NM_014165.4(NDUFAF4):c.125A>G (p.Glu42Gly)

Gene: NDUFAF4 (NADH:ubiquinone oxidoreductase complex assembly factor 4; minus strand). Cytogenetic location: 6q16.1.
Variant type: single nucleotide variant.
Coding change: c.125A>G on transcript NM_014165.4 (MANE Select); coding-DNA position 125, A replaced by G.
Protein change: p.Glu42Gly; replaces glutamic acid 42 with glycine.
Molecular consequence: missense variant.
Genome position (GRCh38, 1-based): chr6:96,897,677, T>C on the plus strand (A>G on the coding strand, the complement: NDUFAF4 is on the minus strand). VCF-style: chr6-96897677-T-C. GRCh37 (hg19) VCF-style: chr6-97345553-T-C.
Other names: short protein forms E42G.
Identifiers: ClinVar variation 4717748 (VCV004717748.1).
Genomic context (GRCh38, chr6:96,897,677, plus strand): 5'-CACAGGGACTCCGCGCCCCCGGGCCCCGAAACGCCCTCGCACCACTCACGACTAATCTGC[T>C]CTCGCAGGAGGCTGTTGGTAGAGGGGTGTCTGGGAGCGACAGAGGGCTTCATCTTGCTGA-3'
Protein context (NP_054884.1, residues 32-52): RHPSTNSLLR[Glu42Gly]QISLYPEVKG

ClinVar aggregate classification (germline): Uncertain significance (1 of 4 stars; one submission).

gnomAD v4.1: 1 of 1,614,010 alleles (0.000062%); highest among the groups gnomAD compares: Non-Finnish European, 0.000085%; no homozygotes.

Submission:

Labcorp Genetics (formerly Invitae), Labcorp
Classification: Uncertain significance. Last evaluated: 2025-04-18. Review status: criteria provided, single submitter. Criteria: Invitae Variant Classification Sherloc (09022015). Collection method: clinical testing. Allele origin: germline.
Comment: This sequence change replaces glutamic acid, which is acidic and polar, with glycine, which is neutral and non-polar, at codon 42 of the NDUFAF4 protein (p.Glu42Gly). This variant is not present in population databases (gnomAD no frequency). This variant has not been reported in the literature in individuals affected with NDUFAF4-related conditions. An algorithm developed to predict the effect of missense changes on protein structure and function (PolyPhen-2) suggests that this variant is likely to be disruptive. In summary, the available evidence is currently insufficient to determine the role of this variant in disease. Therefore, it has been classified as a Variant of Uncertain Significance.